The following is an entry in ClinVar:

ClinVar aggregate classification (germline): Uncertain significance (1 of 4 stars; one submission).

Conditions:
Kabuki syndrome. Also called: NIIKAWA-KUROKI SYNDROME; Kabuki make-up syndrome. Identifiers: Orphanet 2322, MedGen C0796004, MONDO:0016512.

Allele frequency attached by ClinVar (database versions not stated): TOPMed below 0.00001.

Submission:

Labcorp Genetics (formerly Invitae), Labcorp
Classification: Uncertain significance for Kabuki syndrome. Last evaluated: 2023-04-07. Review status: criteria provided, single submitter. Criteria: Invitae Variant Classification Sherloc (09022015). Collection method: clinical testing. Allele origin: germline.
Comment: This sequence change replaces glycine, which is neutral and non-polar, with serine, which is neutral and polar, at codon 1236 of the KMT2D protein (p.Gly1236Ser). This variant is not present in population databases (gnomAD no frequency). In summary, the available evidence is currently insufficient to determine the role of this variant in disease. Therefore, it has been classified as a Variant of Uncertain Significance. Advanced modeling of protein sequence and biophysical properties (such as structural, functional, and spatial information, amino acid conservation, physicochemical variation, residue mobility, and thermodynamic stability) performed at Invitae indicates that this missense variant is not expected to disrupt KMT2D protein function. This variant has not been reported in the literature in individuals affected with KMT2D-related conditions.

NM_003482.4(KMT2D):c.3706G>A (p.Gly1236Ser)

Genes: KMT2D (lysine methyltransferase 2D; minus strand), LOC126861520 (CDK7 strongly-dependent group 2 enhancer GRCh37_chr12:49442744-49443943; plus strand). Cytogenetic location: 12q13.12.
Variant type: single nucleotide variant.
Coding change: c.3706G>A on transcript NM_003482.4 (MANE Select); coding-DNA position 3706, G replaced by A.
Protein change: p.Gly1236Ser; replaces glycine 1236 with serine.
Molecular consequence: missense variant.
Genome position (GRCh38, 1-based): chr12:49,049,882, C>T on the plus strand (G>A on the coding strand, the complement: KMT2D is on the minus strand). VCF-style: chr12-49049882-C-T. GRCh37 (hg19) VCF-style: chr12-49443665-C-T.
Other names: short protein forms G1236S.
Identifiers: ClinVar variation 2853289 (VCV002853289.3), dbSNP rs1937830399, ClinGen allele CA384655699.